The following is an entry in ClinVar:

ClinVar aggregate classification (germline): Likely benign (1 of 4 stars; one submission).

gnomAD v4.1: 8,695 of 1,610,106 alleles (0.54%); highest among the groups gnomAD compares: Non-Finnish European, 0.67%; 37 homozygotes.

Submission:

CeGaT Center for Human Genetics Tuebingen
Classification: Likely benign. Last evaluated: 2026-04-01. Review status: criteria provided, single submitter. Criteria: CeGaT Center For Human Genetics Tuebingen Variant Classification Criteria Version 2. Collection method: clinical testing. Allele origin: germline. Affected: yes. Observed: 1 variant allele.
Comment: SLC25A45: BS2

NM_182556.4(SLC25A45):c.173G>A (p.Gly58Glu)

Genes: FRMD8 (FERM domain containing 8; plus strand), SLC25A45 (solute carrier family 25 member 45; minus strand). Cytogenetic location: 11q13.1.
Variant type: single nucleotide variant.
Coding change: c.173G>A on transcript NM_182556.4 (MANE Select); coding-DNA position 173, G replaced by A.
Protein change: p.Gly58Glu; replaces glycine 58 with glutamic acid.
Molecular consequence: missense variant. On other transcripts: non-coding transcript variant (2), intron variant (3).
Genome position (GRCh38, 1-based): chr11:65,379,542, C>T on the plus strand (G>A on the coding strand, the complement: SLC25A45 is on the minus strand). VCF-style: chr11-65379542-C-T. GRCh37 (hg19) VCF-style: chr11-65147013-C-T.
Other names: c.47G>A, p.Gly16Glu (NM_001077241.3, NM_001278251.3, NM_001352382.2); c.101G>A, p.Gly34Glu (NM_001278250.3); c.173G>A, p.Gly58Glu (NM_001352381.2); c.27+325G>A (NM_001352383.2, NM_001352384.2); c.153+325G>A (NM_001300820.2); short protein forms G16E, G34E, G58E.
Identifiers: ClinVar variation 4871947 (VCV004871947.2).